The following is an entry in ClinVar:

NM_001144967.3(NEDD4L):c.572CTC[3] (p.Pro194del)

Gene: NEDD4L (NEDD4 like E3 ubiquitin protein ligase; plus strand). Cytogenetic location: 18q21.31.
Variant type: Microsatellite.
Coding change: c.572CTC[3] on transcript NM_001144967.3 (MANE Select); three copies in a row of the 3-base unit CTC starting at c.572; the reference has four copies in a row; one copy, 3 bases deleted.
Protein change: p.Pro194del; deletes proline 194.
Molecular consequence: inframe deletion.
Genome position (GRCh38, 1-based): chr18:58,325,063-58,325,065, CTC deleted; deleting any 3 consecutive bases within chr18:58,325,052-58,325,065 gives the same sequence; the position shown is the placement nearest the transcript's 3' end. VCF-style (leftmost placement, unchanged base first): chr18-58325051-TTCC-T. GRCh37 (hg19) VCF-style: chr18-55992283-TTCC-T.
Other names: c.209CTC[3], p.Pro73del (NM_001144964.1, NM_001144965.2, NM_001144966.3 and 2 more transcripts); c.548CTC[3], p.Pro186del (NM_001144968.2, NM_001144969.2); c.572CTC[3], p.Pro194del (NM_001243960.2, NM_015277.6); short protein forms P186del, P194del, P73del.
Identifiers: ClinVar variation 1433265 (VCV001433265.6), dbSNP rs747010088, ClinGen allele CA8975395.

ClinVar aggregate classification (germline): Uncertain significance (1 of 4 stars; one submission).

Submission:

Labcorp Genetics (formerly Invitae), Labcorp
Classification: Uncertain significance. Last evaluated: 2025-02-09. Review status: criteria provided, single submitter. Criteria: Invitae Variant Classification Sherloc (09022015). Collection method: clinical testing. Allele origin: germline.
Comment: This variant, c.581_583del, results in the deletion of 1 amino acid(s) of the NEDD4L protein (p.Pro194del), but otherwise preserves the integrity of the reading frame. The frequency data for this variant in the population databases is considered unreliable, as metrics indicate poor data quality at this position in the gnomAD database. This variant has not been reported in the literature in individuals affected with NEDD4L-related conditions. Experimental studies and prediction algorithms are not available or were not evaluated, and the functional significance of this variant is currently unknown. In summary, the available evidence is currently insufficient to determine the role of this variant in disease. Therefore, it has been classified as a Variant of Uncertain Significance.